The following is an entry in ClinVar:

ClinVar aggregate classification (germline): other (0 of 4 stars; one submission).

Conditions:
Familial colorectal cancer. Identifiers: MedGen CN280943, MONDO:0023113. Disease mechanism: loss of function.

Allele frequency attached by ClinVar (database versions not stated): gnomAD 0.65250; TOPMed 0.67344; 1000 Genomes Project 30x 0.73563; 1000 Genomes Project 0.73922.
gnomAD v4.1: 99,629 of 151,172 alleles (66%); highest among the groups gnomAD compares: East Asian, 90%; 33,136 homozygotes.

Submission:

Systems Biology Platform Zhejiang California International NanoSystems Institute
Classification: other for Familial colorectal cancer. Review status: no assertion criteria provided. Collection method: not provided. Allele origin: unknown.
ClinVar note: Converted during submission from cancer to other.

NM_000038.6(APC):c.835-6238T>C

Gene: APC (APC regulator of WNT signaling pathway; plus strand). Cytogenetic location: 5q22.2.
Variant type: single nucleotide variant.
Coding change: c.835-6238T>C on transcript NM_000038.6 (MANE Select); 6238 bases into the intron before coding-DNA position 835, T replaced by C.
Molecular consequence: intron variant.
Genome position (GRCh38, 1-based): chr5:112,809,257, T>C. VCF-style: chr5-112809257-T-C. GRCh37 (hg19) VCF-style: chr5-112144954-T-C.
Other names: c.835-6238T>C (NM_001354895.2, NM_001127510.3, NM_001354896.2 and 1 more transcripts); c.865-6238T>C (NM_001354897.2, NM_001354902.2); c.781-6238T>C (NM_001127511.3); c.760-6238T>C (NM_001354898.2, NM_001354904.2); c.-201-869T>C (NM_001354906.2); c.751-6238T>C (NM_001354899.2); c.658-6238T>C (NM_001354900.2, NM_001354901.2, NM_001354905.2).
Identifiers: ClinVar variation 83073 (VCV000083073.2), dbSNP rs395266, ClinGen allele CA015329.